The following is an entry in ClinVar:

ClinVar aggregate classification (germline): Conflicting classifications of pathogenicity. Review status: criteria provided, conflicting classifications (1 of 4 stars). 4 submissions from 4 submitters: Uncertain significance (1); Benign (1); Likely benign (2). Last evaluated 2025-02-01.

Conditions:
Mannose-binding lectin deficiency. Also called: MBP DEFICIENCY; MBL DEFICIENCY; MBL2 DEFICIENCY; LECTIN COMPLEMENT ACTIVATION PATHWAY, DEFECT IN, 1; Chronic infections, due to MBL deficiency. Identifiers: MedGen C3280586, MONDO:0013714, OMIM 614372.

Allele frequency attached by ClinVar (database versions not stated): gnomAD 0.00087 and 0.00108; TOPMed 0.00098; gnomAD exomes 0.00127 and 0.00208; ESP Exome Variant Server 0.00131; 1000 Genomes Project 30x 0.00172; 1000 Genomes Project 0.00180; ExAC 0.00186.
gnomAD v4.1: 2,079 of 1,613,864 alleles (0.13%); highest among the groups gnomAD compares: Middle Eastern, 1.4%; 22 homozygotes.

Submissions (4):

CeGaT Center for Human Genetics Tuebingen
Classification: Likely benign. Last evaluated: 2025-02-01. Review status: criteria provided, single submitter. Criteria: CeGaT Center For Human Genetics Tuebingen Variant Classification Criteria Version 2. Collection method: clinical testing. Allele origin: germline. Affected: yes. Observed: 3 variant alleles.
Comment: MBL2: BP4, BP7

Labcorp Genetics (formerly Invitae), Labcorp
Classification: Benign. Last evaluated: 2018-11-27. Review status: criteria provided, single submitter. Criteria: Invitae Variant Classification Sherloc (09022015). Collection method: clinical testing. Allele origin: germline.

Illumina Laboratory Services, Illumina
Classification: Uncertain significance for Mannose-binding lectin deficiency. Last evaluated: 2017-04-27. Review status: criteria provided, single submitter. Criteria: ICSL Variant Classification Criteria 13 December 2019. Collection method: clinical testing. Allele origin: germline.
Comment: This variant was observed as part of a predisposition screen in an ostensibly healthy population. A literature search was performed for the gene, cDNA change, and amino acid change (where applicable). Publications were found based on this search. However, the evidence from the literature, in combination with allele frequency data from public databases where available, was not sufficient to rule this variant in or out of causing disease. Therefore, this variant is classified as a variant of unknown significance.

Laboratory for Molecular Medicine, Mass General Brigham Personalized Medicine
Classification: Likely benign. Last evaluated: 2016-03-28. Review status: criteria provided, single submitter. Criteria: LMM Criteria. Collection method: clinical testing. Allele origin: germline.
Comment: Variant identified in a genome or exome case(s) and assessed due to predicted null impact of the variant or pathogenic assertions in the literature or databases. Disclaimer: This variant has not undergone full assessment. The following are preliminary notes: Silent variant not in splice consensus

Literature cited by the submitters: PubMed 22363494 (cited by Illumina Laboratory Services, Illumina).

NM_001378373.1(MBL2):c.132C>T (p.Asn44=)

Gene: MBL2 (mannose binding lectin 2; minus strand). Cytogenetic location: 10q21.1.
Variant type: single nucleotide variant.
Coding change: c.132C>T on transcript NM_001378373.1 (MANE Select); coding-DNA position 132, C replaced by T.
Protein change: p.Asn44=; no amino-acid change (asparagine 44 retained).
Molecular consequence: synonymous variant.
Genome position (GRCh38, 1-based): chr10:52,771,504, G>A on the plus strand (C>T on the coding strand, the complement: MBL2 is on the minus strand). VCF-style: chr10-52771504-G-A. GRCh37 (hg19) VCF-style: chr10-54531264-G-A.
Other names: c.132C>T, p.Asn44= (NM_000242.3, NM_001378374.1).
Identifiers: ClinVar variation 403073 (VCV000403073.35), dbSNP rs34120190, ClinGen allele CA5504430.
Genomic context (GRCh38, chr10:52,771,504, plus strand): 5'-CGTACCTGGTTCCCCCTTTTCTCCCTTGGTGCCATCACGCCCATCTTTGCCTGGGAAGCC[G>A]TTGATGCCTGGAGAGCTACAGGCAATCACTGCAGGGCAGGTCTTTTGGGCATCCTCACAG-3'
Protein context (NP_001365302.1, residues 34-54): AVIACSSPGI[Asn44=]GFPGKDGRDG